The following is an entry in ClinVar:

NM_005422.4(TECTA):c.5279_5280insTGAAGCA (p.Val1761fs)

Genes: TBCEL-TECTA (TBCEL-TECTA readthrough; plus strand), TECTA (tectorin alpha; plus strand). Cytogenetic location: 11q23.3.
Variant type: Insertion.
Coding change: c.5279_5280insTGAAGCA on transcript NM_005422.4 (MANE Select); coding-DNA positions 5279 to 5280, TGAAGCA inserted.
Protein change: p.Val1761fs; shifts the reading frame from valine 1761.
Molecular consequence: frameshift variant.
Genome position: GRCh38 VCF-style: chr11-121165279-T-TTGAAGCA. GRCh37 (hg19) VCF-style: chr11-121035988-T-TTGAAGCA.
Other names: c.6221_6222insTGAAGCA, p.Val2075fs (NM_001378761.1); short protein forms V1761fs, V2075fs.
Identifiers: ClinVar variation 3651483 (VCV003651483.2).

ClinVar aggregate classification (germline): Pathogenic (1 of 4 stars; one submission).

Submission:

Labcorp Genetics (formerly Invitae), Labcorp
Classification: Pathogenic. Last evaluated: 2024-04-29. Review status: criteria provided, single submitter. Criteria: Invitae Variant Classification Sherloc (09022015). Collection method: clinical testing. Allele origin: germline.
Comment: This sequence change creates a premature translational stop signal (p.Val1761Glufs*4) in the TECTA gene. It is expected to result in an absent or disrupted protein product. Loss-of-function variants in TECTA are known to be pathogenic (PMID: 11087000, 12746400, 17431902, 24130743). This variant is not present in population databases (gnomAD no frequency). This variant has not been reported in the literature in individuals affected with TECTA-related conditions. For these reasons, this variant has been classified as Pathogenic.

Literature cited by the submitters: PubMed 11087000; PubMed 12746400; PubMed 17431902; PubMed 24130743.